The following is an entry in ClinVar:

NM_000136.3(FANCC):c.1120C>G (p.Leu374Val)

Genes: FANCC (FA complementation group C; minus strand), AOPEP (aminopeptidase O (putative); plus strand). Cytogenetic location: 9q22.32.
Variant type: single nucleotide variant.
Coding change: c.1120C>G on transcript NM_000136.3 (MANE Select); coding-DNA position 1120, C replaced by G.
Protein change: p.Leu374Val; replaces leucine 374 with valine.
Molecular consequence: missense variant.
Genome position (GRCh38, 1-based): chr9:95,114,663, G>C on the plus strand (C>G on the coding strand, the complement: FANCC is on the minus strand). VCF-style: chr9-95114663-G-C. GRCh37 (hg19) VCF-style: chr9-97876945-G-C.
Other names: c.1120C>G, p.Leu374Val (NM_001243743.2, NM_001243744.2); short protein forms L374V.
Identifiers: ClinVar variation 1797638 (VCV001797638.2), dbSNP rs2134631293, ClinGen allele CA374107974.

ClinVar aggregate classification (germline): Uncertain significance (1 of 4 stars; one submission).

Conditions:
Hereditary cancer-predisposing syndrome. Also called: Neoplastic Syndromes, Hereditary; Tumor predisposition; Hereditary Cancer Syndrome; Hereditary neoplastic syndrome. Identifiers: Orphanet 140162, MedGen C0027672, MeSH D009386, MONDO:0015356.

Submission:

Ambry Genetics
Classification: Uncertain significance for Hereditary cancer-predisposing syndrome. Last evaluated: 2022-07-11. Review status: criteria provided, single submitter. Criteria: Ambry Variant Classification Scheme 2023. Collection method: clinical testing. Allele origin: germline.
Comment: The p.L374V variant (also known as c.1120C>G), located in coding exon 11 of the FANCC gene, results from a C to G substitution at nucleotide position 1120. The leucine at codon 374 is replaced by valine, an amino acid with highly similar properties. This amino acid position is conserved. In addition, this alteration is predicted to be tolerated by in silico analysis. Since supporting evidence is limited at this time, the clinical significance of this alteration remains unclear.